The following is an entry in ClinVar:

NM_003664.5(AP3B1):c.3210del (p.Ile1071fs)

Gene: AP3B1 (adaptor related protein complex 3 subunit beta 1; minus strand). Cytogenetic location: 5q14.1.
Variant type: Deletion.
Coding change: c.3210del on transcript NM_003664.5 (MANE Select); coding-DNA position 3210, one base deleted (T; older notation c.3210delT).
Protein change: p.Ile1071fs; shifts the reading frame from isoleucine 1071.
Molecular consequence: frameshift variant.
Genome position (GRCh38, 1-based): chr5:78,002,977, A deleted on the plus strand (T on the coding strand, the reverse complement: AP3B1 is on the minus strand); the first of 2 consecutive A bases (chr5:78,002,977-78,002,978); deleting either gives the same sequence. VCF-style (leftmost placement, unchanged base first): chr5-78002976-TA-T. GRCh37 (hg19) VCF-style: chr5-77298800-TA-T.
Other names: c.3063del, p.Ile1022fs (NM_001271769.2); short protein forms I1022fs, I1071fs.
Identifiers: ClinVar variation 4714901 (VCV004714901.1).

ClinVar aggregate classification (germline): Uncertain significance (1 of 4 stars; one submission).

Conditions:
Hermansky-Pudlak syndrome 2 (HPS2). Also called: Platelet defects and oculocutaneous albinism. Identifiers: Orphanet 183678, Orphanet 79430, MedGen C1842362, MONDO:0011997, OMIM 608233.

Submission:

Labcorp Genetics (formerly Invitae), Labcorp
Classification: Uncertain significance for Hermansky-Pudlak syndrome 2. Last evaluated: 2025-03-11. Review status: criteria provided, single submitter. Criteria: Invitae Variant Classification Sherloc (09022015). Collection method: clinical testing. Allele origin: germline.
Comment: This sequence change creates a premature translational stop signal (p.Ile1071Serfs*2) in the AP3B1 gene. While this is not anticipated to result in nonsense mediated decay, it is expected to disrupt the last 24 amino acid(s) of the AP3B1 protein. This variant is not present in population databases (gnomAD no frequency). This variant has not been reported in the literature in individuals affected with AP3B1-related conditions. Experimental studies and prediction algorithms are not available or were not evaluated, and the functional significance of this variant is currently unknown. In summary, the available evidence is currently insufficient to determine the role of this variant in disease. Therefore, it has been classified as a Variant of Uncertain Significance.